The following is an entry in ClinVar:

ClinVar aggregate classification (germline): Uncertain significance (1 of 4 stars; one submission).

gnomAD v4.1: 1 of 1,208,632 alleles (0.000083%); highest among the groups gnomAD compares: African/African-American, 0.0018%; no homozygotes.

Submission:

Ambry Genetics
Classification: Uncertain significance. Last evaluated: 2026-06-03. Review status: criteria provided, single submitter. Criteria: Ambry Variant Classification Scheme 2023. Collection method: clinical testing. Allele origin: germline.
Comment: The c.830A>G (p.D277G) alteration is located in exon 1 (coding exon 1) of the FAM47B gene. This alteration results from a A to G substitution at nucleotide position 830, causing the aspartic acid (D) at amino acid position 277 to be replaced by a glycine (G). Based on data from gnomAD, the G allele has an overall frequency of <0.001% (1/183393) total alleles studied. The highest observed frequency was 0.008% (1/13142) of African alleles. Based on insufficient or conflicting evidence, the clinical significance of this alteration remains unclear.

NM_152631.3(FAM47B):c.830A>G (p.Asp277Gly)

Gene: FAM47B (family with sequence similarity 47 member B; plus strand). Cytogenetic location: Xp21.1.
Variant type: single nucleotide variant.
Coding change: c.830A>G on transcript NM_152631.3 (MANE Select); coding-DNA position 830, A replaced by G.
Protein change: p.Asp277Gly; replaces aspartic acid 277 with glycine.
Molecular consequence: missense variant.
Genome position (GRCh38, 1-based): chrX:34,943,661, A>G. VCF-style: chrX-34943661-A-G. GRCh37 (hg19) VCF-style: chrX-34961778-A-G.
Other names: short protein forms D277G.
Identifiers: ClinVar variation 4870773 (VCV004870773.1).